The following is an entry in ClinVar:

ClinVar aggregate classification (germline): Uncertain significance (1 of 4 stars; one submission).

Conditions:
Fanconi anemia (FA). Also called: Fanconi's anemia. Identifiers: Orphanet 84, MedGen C0015625, MeSH D005199, MONDO:0019391.

Submission:

Labcorp Genetics (formerly Invitae), Labcorp
Classification: Uncertain significance for Fanconi anemia. Last evaluated: 2023-11-27. Review status: criteria provided, single submitter. Criteria: Invitae Variant Classification Sherloc (09022015). Collection method: clinical testing. Allele origin: germline.
Comment: This sequence change falls in intron 30 of the FANCA gene. It does not directly change the encoded amino acid sequence of the FANCA protein. It affects a nucleotide within the consensus splice site. This variant is not present in population databases (gnomAD no frequency). This variant has not been reported in the literature in individuals affected with FANCA-related conditions. ClinVar contains an entry for this variant (Variation ID: 1970792). Variants that disrupt the consensus splice site are a relatively common cause of aberrant splicing (PMID: 17576681, 9536098). Algorithms developed to predict the effect of sequence changes on RNA splicing suggest that this variant is not likely to affect RNA splicing. In summary, the available evidence is currently insufficient to determine the role of this variant in disease. Therefore, it has been classified as a Variant of Uncertain Significance.

Literature cited by the submitters: PubMed 17576681; PubMed 9536098.

NM_000135.4(FANCA):c.2981+3T>A

Gene: FANCA (FA complementation group A; minus strand). Cytogenetic location: 16q24.3.
Variant type: single nucleotide variant.
Coding change: c.2981+3T>A on transcript NM_000135.4 (MANE Select); 3 bases into the intron after coding-DNA position 2981, T replaced by A.
Molecular consequence: intron variant.
Genome position (GRCh38, 1-based): chr16:89,758,574, A>T on the plus strand (T>A on the coding strand, the complement: FANCA is on the minus strand). VCF-style: chr16-89758574-A-T. GRCh37 (hg19) VCF-style: chr16-89824982-A-T.
Other names: c.2981+3T>A (NM_001286167.3).
Identifiers: ClinVar variation 1970792 (VCV001970792.5), dbSNP rs2038838887, ClinGen allele CA2580092361.